The following is an entry in ClinVar:

NM_020223.4(FAM20C):c.403G>A (p.Ala135Thr)

Gene: FAM20C (FAM20C golgi associated secretory pathway kinase; plus strand). Cytogenetic location: 7p22.3.
Variant type: single nucleotide variant.
Coding change: c.403G>A on transcript NM_020223.4 (MANE Select); coding-DNA position 403, G replaced by A.
Protein change: p.Ala135Thr; replaces alanine 135 with threonine.
Molecular consequence: missense variant.
Genome position (GRCh38, 1-based): chr7:193,602, G>A. VCF-style: chr7-193602-G-A. GRCh37 (hg19) VCF-style: chr7-193602-G-A.
Other names: c.403G>A (NM_020223.2); short protein forms A135T.
Identifiers: ClinVar variation 1926435 (VCV001926435.4), dbSNP rs1425201953, ClinGen allele CA366523718.

ClinVar aggregate classification (germline): Uncertain significance. Review status: criteria provided, multiple submitters, no conflicts (2 of 4 stars). 2 submissions from 2 submitters: Uncertain significance (2). Last evaluated 2025-07-16.

Conditions:
Inborn genetic diseases. Identifiers: MedGen C0950123, MeSH D030342.

Allele frequency attached by ClinVar (database versions not stated): TOPMed below 0.00001; gnomAD 0.00001; gnomAD exomes 0.00001.
gnomAD v4.1: 4 of 1,536,504 alleles (0.00026%); highest among the groups gnomAD compares: African/African-American, 0.0028%; no homozygotes.

Submissions (2):

Ambry Genetics
Classification: Uncertain significance for Inborn genetic diseases. Last evaluated: 2025-07-16. Review status: criteria provided, single submitter. Criteria: Ambry Variant Classification Scheme 2023. Collection method: clinical testing. Allele origin: germline.

Labcorp Genetics (formerly Invitae), Labcorp
Classification: Uncertain significance. Last evaluated: 2022-07-26. Review status: criteria provided, single submitter. Criteria: Invitae Variant Classification Sherloc (09022015). Collection method: clinical testing. Allele origin: germline.
Comment: In summary, the available evidence is currently insufficient to determine the role of this variant in disease. Therefore, it has been classified as a Variant of Uncertain Significance. Algorithms developed to predict the effect of missense changes on protein structure and function (SIFT, PolyPhen-2, Align-GVGD) all suggest that this variant is likely to be tolerated. This variant has not been reported in the literature in individuals affected with FAM20C-related conditions. The frequency data for this variant in the population databases is considered unreliable, as metrics indicate poor data quality at this position in the gnomAD database. This sequence change replaces alanine, which is neutral and non-polar, with threonine, which is neutral and polar, at codon 135 of the FAM20C protein (p.Ala135Thr).